The following is an entry in ClinVar:

ClinVar aggregate classification (germline): Likely benign. Review status: reviewed by expert panel (3 of 4 stars). 6 submissions from 6 submitters: Likely benign (1). 5 of the submissions do not count toward it. Last evaluated 2017-06-29.

Conditions:
Hereditary breast ovarian cancer syndrome. Also called: Hereditary breast and ovarian cancer syndrome; Hereditary breast and ovarian cancer syndrome (HBOC); BRCA1- and BRCA2-Associated Hereditary Breast and Ovarian Cancer; Breast and ovarian cancer; Hereditary breast and ovarian cancer; Hereditary breast and/or ovarian cancer syndrome. Identifiers: Orphanet 145, MedGen C0677776, MeSH D061325, MONDO:0003582. Disease mechanism: loss of function.
Breast-ovarian cancer, familial, susceptibility to, 1 (BROVCA1). Also called: OVARIAN CANCER, SUSCEPTIBILITY TO; BRCA1 Hereditary Breast and Ovarian Cancer. Identifiers: Orphanet 145, MedGen C2676676, MONDO:0011450, OMIM 604370. Disease mechanism: loss of function.
Hereditary cancer-predisposing syndrome. Also called: Hereditary Cancer Syndrome; Hereditary neoplastic syndrome; Tumor predisposition; Neoplastic Syndromes, Hereditary. Identifiers: Orphanet 140162, MedGen C0027672, MeSH D009386, MONDO:0015356.

Allele frequency attached by ClinVar (database versions not stated): gnomAD exomes below 0.00001; TOPMed below 0.00001; gnomAD 0.00001.

Submissions (6):

Evidence-based Network for the Interpretation of Germline Mutant Alleles (ENIGMA)
Classification: Likely benign for Breast-ovarian cancer, familial, susceptibility to, 1. Last evaluated: 2017-06-29. Review status: reviewed by expert panel. Criteria: ENIGMA BRCA1/2 Classification Criteria (2017-06-29). Collection method: curation. Allele origin: germline.
Comment: Synonymous substitution variant, with low bioinformatic likelihood to result in a splicing aberration (Splicing prior probability 0.02).

Center for Genomic Medicine, Rigshospitalet, Copenhagen University Hospital
Classification: Likely benign. Last evaluated: 2025-12-29. Review status: criteria provided, single submitter. Criteria: ACMG Guidelines, 2015. Collection method: clinical testing. Allele origin: germline. Not counted in ClinVar's aggregate classification.

Labcorp Genetics (formerly Invitae), Labcorp
Classification: Likely benign for Hereditary breast ovarian cancer syndrome. Last evaluated: 2025-12-07. Review status: criteria provided, single submitter. Criteria: Invitae Variant Classification Sherloc (09022015). Collection method: clinical testing. Allele origin: germline. Not counted in ClinVar's aggregate classification.

Quest Diagnostics Nichols Institute San Juan Capistrano
Classification: Likely benign. Last evaluated: 2021-07-30. Review status: criteria provided, single submitter. Criteria: Quest Diagnostics criteria. Collection method: clinical testing. Allele origin: unknown. Not counted in ClinVar's aggregate classification.

Ambry Genetics
Classification: Likely benign for Hereditary cancer-predisposing syndrome. Last evaluated: 2020-05-20. Review status: criteria provided, single submitter. Criteria: Ambry Variant Classification Scheme 2023. Collection method: clinical testing. Allele origin: germline. Not counted in ClinVar's aggregate classification.

GeneDx
Classification: Likely benign. Last evaluated: 2019-11-07. Review status: criteria provided, single submitter. Criteria: GeneDx Variant Classification Process June 2021. Collection method: clinical testing. Allele origin: germline. Affected: yes. Not counted in ClinVar's aggregate classification.

NM_007294.4(BRCA1):c.1215A>G (p.Ser405=)

Gene: BRCA1 (BRCA1 DNA repair associated; minus strand). Cytogenetic location: 17q21.31.
Variant type: single nucleotide variant.
Coding change: c.1215A>G on transcript NM_007294.4 (MANE Select); coding-DNA position 1215, A replaced by G.
Protein change: p.Ser405=; no amino-acid change (serine 405 retained).
Molecular consequence: synonymous variant. On other transcripts: intron variant (137).
Genome position (GRCh38, 1-based): chr17:43,094,316, T>C on the plus strand (A>G on the coding strand, the complement: BRCA1 is on the minus strand). VCF-style: chr17-43094316-T-C. GRCh37 (hg19) VCF-style: chr17-41246333-T-C.
Other names: c.1002A>G, p.Ser334= (NM_001407571.1, NM_001407853.1, NM_001407894.1 and 9 more transcripts); c.1215A>G, p.Ser405= (NM_001407581.1, NM_001407582.1, NM_001407583.1 and 30 more transcripts); c.1212A>G, p.Ser404= (NM_001407587.1, NM_001407590.1, NM_001407591.1 and 22 more transcripts); c.1206A>G, p.Ser402= (NM_001407646.1, NM_001407647.1); c.1092A>G, p.Ser364= (NM_001407648.1, NM_001407664.1, NM_001407665.1 and 19 more transcripts); c.1089A>G, p.Ser363= (NM_001407649.1, NM_001407670.1, NM_001407671.1 and 11 more transcripts); c.1137A>G, p.Ser379= (NM_001407653.1, NM_001407654.1, NM_001407655.1 and 4 more transcripts); c.1134A>G, p.Ser378= (NM_001407659.1, NM_001407660.1, NM_001407661.1 and 1 more transcripts); and 40 more.
Identifiers: ClinVar variation 184519 (VCV000184519.24), dbSNP rs786201517, ClinGen allele CA000799.